The following is an entry in ClinVar:

NM_004380.3(CREBBP):c.2063C>T (p.Pro688Leu)

Gene: CREBBP (CREB binding lysine acetyltransferase; minus strand). Cytogenetic location: 16p13.3.
Variant type: single nucleotide variant.
Coding change: c.2063C>T on transcript NM_004380.3 (MANE Select); coding-DNA position 2063, C replaced by T.
Protein change: p.Pro688Leu; replaces proline 688 with leucine.
Molecular consequence: missense variant.
Genome position (GRCh38, 1-based): chr16:3,778,061, G>A on the plus strand (C>T on the coding strand, the complement: CREBBP is on the minus strand). VCF-style: chr16-3778061-G-A. GRCh37 (hg19) VCF-style: chr16-3828062-G-A.
Other names: c.1949C>T, p.Pro650Leu (NM_001079846.1); short protein forms P688L, P650L.
Identifiers: ClinVar variation 588969 (VCV000588969.9), dbSNP rs375125948, ClinGen allele CA7870284.

ClinVar aggregate classification (germline): Conflicting classifications of pathogenicity. Review status: criteria provided, conflicting classifications (1 of 4 stars). 4 submissions from 4 submitters: Uncertain significance (2); Likely benign (1). 1 of the submissions does not count toward it. Last evaluated 2025-11-12.

Conditions:
Rubinstein-Taybi syndrome (RSTS). Identifiers: Orphanet 783, MedGen C0035934, MONDO:0019188.
Inborn genetic diseases. Identifiers: MedGen C0950123, MeSH D030342.
CREBBP-related disorder. Also called: CREBBP-related disorders; CREBBP-related condition.

Allele frequency attached by ClinVar (database versions not stated): gnomAD exomes below 0.00001; TOPMed 0.00001; ExAC 0.00002; ESP Exome Variant Server 0.00008.
gnomAD v4.1: 22 of 1,614,100 alleles (0.0014%); highest among the groups gnomAD compares: Admixed American, 0.0017%; no homozygotes.

Submissions (4):

Women's Health and Genetics/Laboratory Corporation of America, LabCorp
Classification: Uncertain significance. Last evaluated: 2025-11-12. Review status: criteria provided, single submitter. Criteria: LabCorp Variant Classification Summary - May 2015. Collection method: clinical testing. Allele origin: germline.
Comment: Variant summary: CREBBP c.2063C>T (p.Pro688Leu) results in a non-conservative amino acid change in the encoded protein sequence. Algorithms developed to predict the effect of missense changes on protein structure and function all suggest that this variant is likely to be disruptive. The variant allele was found at a frequency of 4e-06 in 251406 control chromosomes. The available data on variant occurrences in the general population are insufficient to allow any conclusion about variant significance. To our knowledge, no occurrence of c.2063C>T in individuals affected with CREBBP-related conditions and no experimental evidence demonstrating its impact on protein function have been reported. ClinVar contains an entry for this variant (Variation ID: 588969). Based on the evidence outlined above, the variant was classified as uncertain significance.

Labcorp Genetics (formerly Invitae), Labcorp
Classification: Likely benign for Rubinstein-Taybi syndrome. Last evaluated: 2025-02-15. Review status: criteria provided, single submitter. Criteria: Invitae Variant Classification Sherloc (09022015). Collection method: clinical testing. Allele origin: germline.

Ambry Genetics
Classification: Uncertain significance for Inborn genetic diseases. Last evaluated: 2017-04-17. Review status: criteria provided, single submitter. Criteria: Ambry Variant Classification Scheme 2023. Collection method: clinical testing. Allele origin: germline.
Comment: The p.P688L variant (also known as c.2063C>T), located in coding exon 10 of the CREBBP gene, results from a C to T substitution at nucleotide position 2063. The proline at codon 688 is replaced by leucine, an amino acid with similar properties. This amino acid position is not well conserved in available vertebrate species. In addition, the in silico prediction for this alteration is inconclusive. Since supporting evidence is limited at this time, the clinical significance of this alteration remains unclear.

PreventionGenetics, part of Exact Sciences
Classification: Uncertain significance for CREBBP-related condition. Last evaluated: 2024-01-31. Review status: no assertion criteria provided. Collection method: clinical testing. Allele origin: germline. Not counted in ClinVar's aggregate classification.
Comment: The CREBBP c.2063C>T variant is predicted to result in the amino acid substitution p.Pro688Leu. To our knowledge, this variant has not been reported in the literature. This variant is reported in 0.0029% of alleles in individuals of Latino descent in gnomAD. At this time, the clinical significance of this variant is uncertain due to the absence of conclusive functional and genetic evidence.